The following is an entry in ClinVar:

NM_000552.5(VWF):c.1590C>G (p.Asn530Lys)

Gene: VWF (von Willebrand factor; minus strand). Cytogenetic location: 12p13.31.
Variant type: single nucleotide variant.
Coding change: c.1590C>G on transcript NM_000552.5 (MANE Select); coding-DNA position 1590, C replaced by G.
Protein change: p.Asn530Lys; replaces asparagine 530 with lysine.
Molecular consequence: missense variant.
Genome position (GRCh38, 1-based): chr12:6,057,988, G>C on the plus strand (C>G on the coding strand, the complement: VWF is on the minus strand). VCF-style: chr12-6057988-G-C. GRCh37 (hg19) VCF-style: chr12-6167154-G-C.
Other names: short protein forms N530K.
Identifiers: ClinVar variation 426542 (VCV000426542.4), dbSNP rs769713195, ClinGen allele CA383498293.

ClinVar aggregate classification (germline): Uncertain significance (1 of 4 stars; one submission).

gnomAD v4.1: 1 of 1,613,594 alleles (0.000062%); highest among the groups gnomAD compares: Non-Finnish European, 0.000085%; no homozygotes.

Submission:

GeneDx
Classification: Uncertain significance. Last evaluated: 2026-08-14. Review status: criteria provided, single submitter. Criteria: GeneDx Variant Classification Process June 2021. Collection method: clinical testing. Allele origin: germline.
Comment: In silico analysis supports that this missense variant has a deleterious effect on protein structure/function; Has not been previously published as pathogenic or benign to our knowledge